The following is an entry in ClinVar:

NC_000001.10:g.(?_45794913)_(45806113_?)dup

Genes: MUTYH (mutY DNA glycosylase; minus strand), TOE1 (target of EGR1, exonuclease; plus strand). Cytogenetic location: 1p34.1.
Variant type: Duplication.
Identifiers: ClinVar variation 3336295 (VCV003336295.2).

ClinVar aggregate classification (germline): Uncertain significance (1 of 4 stars; one submission).

Submission:

Women's Health and Genetics/Laboratory Corporation of America, LabCorp
Classification: Uncertain significance. Last evaluated: 2025-05-29. Review status: criteria provided, single submitter. Criteria: LabCorp Variant Classification Summary - May 2015. Collection method: clinical testing. Allele origin: germline.
Comment: Variant summary: The variant involves the duplication of exons 1-16 in the MUTYH gene. A presumed nomenclature of c.(?_-187)_(*65_?)dup has been designated for the purposes of this classification. It is assumed to be a tandem duplication in direct orientation (PMIDs: 25640679, 30054569). This duplication includes the entire coding sequence of the gene. As exact breakpoints are unknown, it may extend beyond the annotated region of the gene, to include other flanking genes. Large duplications which encompass the entire MUTYH gene (~11 kb) together with flanking DNA regions (ranging in size from 28.7 kb to 14.8 Mb) have been reported in a few carriers in the gnomAD database, e.g. a large duplication (Position: hg38 1:45325298-45492215; Size: 166,917 bp) was found at a frequency of 8.3e-06 (i.e. 1 allele) in 120778 control chromosomes in the gnomAD database (CNVs v4.0 dataset). The available data on variant occurrences in the general population are insufficient to allow any conclusion about variant significance. To our knowledge, no occurrence of c.(?_-187)_(*65_?)dup in individuals affected with MUTYH-Associated Polyposis and no experimental evidence demonstrating its impact on protein function have been reported. ClinVar contains an entry for this variant (Variation ID: 583503). Based on the evidence outlined above, the variant was classified as uncertain significance.